The following is an entry in ClinVar:

NM_005004.4(NDUFB8):c.445G>A (p.Val149Met)

Gene: NDUFB8 (NADH:ubiquinone oxidoreductase subunit B8; minus strand). Cytogenetic location: 10q24.31.
Variant type: single nucleotide variant.
Coding change: c.445G>A on transcript NM_005004.4 (MANE Select); coding-DNA position 445, G replaced by A.
Protein change: p.Val149Met; replaces valine 149 with methionine.
Molecular consequence: missense variant.
Genome position (GRCh38, 1-based): chr10:100,526,422, C>T on the plus strand (G>A on the coding strand, the complement: NDUFB8 is on the minus strand). VCF-style: chr10-100526422-C-T. GRCh37 (hg19) VCF-style: chr10-102286179-C-T.
Other names: c.445G>A, p.Val149Met (NM_001284367.2); c.352G>A, p.Val118Met (NM_001284368.1); c.445G>A (NM_005004.3); short protein forms V118M, V149M.
Identifiers: ClinVar variation 1559174 (VCV001559174.11), dbSNP rs141801241, ClinGen allele CA5650145.
Genomic context (GRCh38, chr10:100,526,422, plus strand): 5'-GCAAGCGTGCCTAAGGGAGCACTTCTCGGATACTCACCACAGGCTGGTAGACAGGGTACA[C>T]GTCCCCCACCCAGCACATGAATATCATGAAAGCCAGGAAACCGAAGAGCTGCATACACAT-3'
Protein context (NP_004995.1, residues 139-159): FMIFMCWVGD[Val149Met]YPVYQPVGPK

ClinVar aggregate classification (germline): Benign. Review status: criteria provided, multiple submitters, no conflicts (2 of 4 stars). 3 submissions from 3 submitters: Benign (2). 1 of the submissions does not count toward it. Last evaluated 2026-01-19.

Conditions:
NDUFB8-related disorder. Also called: NDUFB8-related condition.

Allele frequency attached by ClinVar (database versions not stated): ESP Exome Variant Server 0.00008; gnomAD 0.00074 and 0.00087; TOPMed 0.00089; ExAC 0.00148; gnomAD exomes 0.00181; 1000 Genomes Project 30x 0.00344; 1000 Genomes Project 0.00399.
gnomAD v4.1: 874 of 1,608,702 alleles (0.054%); highest among the groups gnomAD compares: East Asian, 1.5%; 8 homozygotes.

Submissions (3):

Labcorp Genetics (formerly Invitae), Labcorp
Classification: Benign. Last evaluated: 2026-01-19. Review status: criteria provided, single submitter. Criteria: Invitae Variant Classification Sherloc (09022015). Collection method: clinical testing. Allele origin: germline.

Breakthrough Genomics
Classification: Benign. Review status: criteria provided, single submitter. Criteria: ACMG Guidelines, 2015. Collection method: not provided. Allele origin: germline. Inheritance: Autosomal recessive inheritance. Affected: yes.

PreventionGenetics, part of Exact Sciences
Classification: Benign for NDUFB8-related condition. Last evaluated: 2019-02-20. Review status: no assertion criteria provided. Collection method: clinical testing. Allele origin: germline. Not counted in ClinVar's aggregate classification.
Comment: This variant is classified as benign based on ACMG/AMP sequence variant interpretation guidelines (Richards et al. 2015 PMID: 25741868, with internal and published modifications).